The following is an entry in ClinVar:

ClinVar aggregate classification (germline): Uncertain significance (1 of 4 stars; one submission).

Allele frequency attached by ClinVar (database versions not stated): gnomAD 0.00001; TOPMed 0.00001.
gnomAD v4.1: 14 of 1,614,050 alleles (0.00087%); highest among the groups gnomAD compares: African/African-American, 0.0013%; no homozygotes.

Submission:

Labcorp Genetics (formerly Invitae), Labcorp
Classification: Uncertain significance. Last evaluated: 2024-09-05. Review status: criteria provided, single submitter. Criteria: Invitae Variant Classification Sherloc (09022015). Collection method: clinical testing. Allele origin: germline.
Comment: This sequence change replaces aspartic acid, which is acidic and polar, with glycine, which is neutral and non-polar, at codon 171 of the DENND5A protein (p.Asp171Gly). This variant is not present in population databases (gnomAD no frequency). This variant has not been reported in the literature in individuals affected with DENND5A-related conditions. ClinVar contains an entry for this variant (Variation ID: 2173805). Invitae Evidence Modeling of protein sequence and biophysical properties (such as structural, functional, and spatial information, amino acid conservation, physicochemical variation, residue mobility, and thermodynamic stability) indicates that this missense variant is not expected to disrupt DENND5A protein function with a negative predictive value of 80%. In summary, the available evidence is currently insufficient to determine the role of this variant in disease. Therefore, it has been classified as a Variant of Uncertain Significance.

NM_015213.4(DENND5A):c.512A>G (p.Asp171Gly)

Gene: DENND5A (DENN domain containing 5A; minus strand). Cytogenetic location: 11p15.4.
Variant type: single nucleotide variant.
Coding change: c.512A>G on transcript NM_015213.4 (MANE Select); coding-DNA position 512, A replaced by G.
Protein change: p.Asp171Gly; replaces aspartic acid 171 with glycine.
Molecular consequence: missense variant. On other transcripts: non-coding transcript variant (1).
Genome position (GRCh38, 1-based): chr11:9,204,097, T>C on the plus strand (A>G on the coding strand, the complement: DENND5A is on the minus strand). VCF-style: chr11-9204097-T-C. GRCh37 (hg19) VCF-style: chr11-9225644-T-C.
Other names: c.512A>G, p.Asp171Gly (NM_001243254.2, NM_001348748.1); c.440A>G, p.Asp147Gly (NM_001348749.2); c.224A>G, p.Asp75Gly (NM_001348750.2); short protein forms D75G, D171G, D147G.
Identifiers: ClinVar variation 2173805 (VCV002173805.3), dbSNP rs764056674, ClinGen allele CA217547837.